The following is an entry in ClinVar:

ClinVar aggregate classification (germline): Benign/Likely benign. Review status: criteria provided, multiple submitters, no conflicts (2 of 4 stars). 7 submissions from 7 submitters: Benign (1); Likely benign (5). 1 of the submissions does not count toward it. Last evaluated 2026-01-28.

Conditions:
FRAS1-related disorder. Also called: FRAS1-related condition.
Fraser syndrome 1 (FRASRS1). Also called: CRYPTOPHTHALMOS WITH OTHER MALFORMATIONS. Identifiers: Orphanet 2052, MedGen C4551480, MONDO:0054737, OMIM 219000.

Allele frequency attached by ClinVar (database versions not stated): gnomAD exomes 0.00034 and 0.00054; TOPMed 0.00036; ExAC 0.00064; 1000 Genomes Project 30x 0.00125; 1000 Genomes Project 0.00160; gnomAD 0.00022 and 0.00029.
gnomAD v4.1: 544 of 1,613,904 alleles (0.034%); highest among the groups gnomAD compares: East Asian, 0.47%; 5 homozygotes.

Submissions (7):

Labcorp Genetics (formerly Invitae), Labcorp
Classification: Benign. Last evaluated: 2026-01-28. Review status: criteria provided, single submitter. Criteria: Invitae Variant Classification Sherloc (09022015). Collection method: clinical testing. Allele origin: germline.

Blueprint Genetics
Classification: Likely benign. Last evaluated: 2024-11-04. Review status: criteria provided, single submitter. Criteria: ACMG Guidelines, 2015. Collection method: clinical testing. Allele origin: germline.

CeGaT Center for Human Genetics Tuebingen
Classification: Likely benign. Last evaluated: 2024-08-01. Review status: criteria provided, single submitter. Criteria: CeGaT Center For Human Genetics Tuebingen Variant Classification Criteria Version 2. Collection method: clinical testing. Allele origin: germline. Affected: yes. Observed: 1 variant allele.
Comment: FRAS1: BP4, BP7

Fulgent Genetics
Classification: Likely benign for Fraser syndrome 1. Last evaluated: 2021-10-16. Review status: criteria provided, single submitter. Criteria: ACMG Guidelines, 2015. Collection method: clinical testing. Allele origin: unknown.

Illumina Laboratory Services, Illumina
Classification: Likely benign for Fraser syndrome 1. Last evaluated: 2018-01-12. Review status: criteria provided, single submitter. Criteria: ICSL Variant Classification Criteria 13 December 2019. Collection method: clinical testing. Allele origin: germline.
Comment: This variant was observed in the ICSL laboratory as part of a predisposition screen in an ostensibly healthy population. It had not been previously curated by ICSL or reported in the Human Gene Mutation Database (HGMD: prior to June 1st, 2018), and was therefore a candidate for classification through an automated scoring system. Utilizing variant allele frequency, disease prevalence and penetrance estimates, and inheritance mode, an automated score was calculated to assess if this variant is too frequent to cause the disease. Based on the score and internal cut-off values, a variant classified as likely benign is not then subjected to further curation. The score for this variant resulted in a classification of likely benign for this disease.

Eurofins Ntd Llc (ga)
Classification: Likely benign. Last evaluated: 2017-02-27. Review status: criteria provided, single submitter. Criteria: EGL Classification Definitions 2015. Collection method: clinical testing. Allele origin: germline. Observed: 1 variant allele, 1 heterozygote.

PreventionGenetics, part of Exact Sciences
Classification: Likely benign for FRAS1-related condition. Last evaluated: 2019-05-13. Review status: no assertion criteria provided. Collection method: clinical testing. Allele origin: germline. Not counted in ClinVar's aggregate classification.
Comment: This variant is classified as likely benign based on ACMG/AMP sequence variant interpretation guidelines (Richards et al. 2015 PMID: 25741868, with internal and published modifications).

NM_025074.7(FRAS1):c.1635C>T (p.Ser545=)

Gene: FRAS1 (Fraser extracellular matrix complex subunit 1; plus strand). Cytogenetic location: 4q21.21.
Variant type: single nucleotide variant.
Coding change: c.1635C>T on transcript NM_025074.7 (MANE Select); coding-DNA position 1635, C replaced by T.
Protein change: p.Ser545=; no amino-acid change (serine 545 retained).
Molecular consequence: synonymous variant.
Genome position (GRCh38, 1-based): chr4:78,308,166, C>T. VCF-style: chr4-78308166-C-T. GRCh37 (hg19) VCF-style: chr4-79229320-C-T.
Other names: c.1635C>T, p.Ser545= (NM_001166133.2).
Identifiers: ClinVar variation 349682 (VCV000349682.39), dbSNP rs528765554, ClinGen allele CA2976378.
Genomic context (GRCh38, chr4:78,308,166, plus strand): 5'-GAAGCACTGCTTGGCCTGCAGAGATCCCCTCCACGTGCTGAGAGATGGCGGCTGTGAGAG[C>T]AGCTGTGGAAAAGGCTTCTACAACAGGCAGGGCACCTGTAGCGGTGAGTGCTGGGTTGCG-3'
Protein context (NP_079350.5, residues 535-555): LHVLRDGGCE[Ser545=]SCGKGFYNRQ